The following is an entry in ClinVar:

NM_020937.4(FANCM):c.3137A>G (p.Gln1046Arg)

Gene: FANCM (FA complementation group M; plus strand). Cytogenetic location: 14q21.2.
Variant type: single nucleotide variant.
Coding change: c.3137A>G on transcript NM_020937.4 (MANE Select); coding-DNA position 3137, A replaced by G.
Protein change: p.Gln1046Arg; replaces glutamine 1046 with arginine.
Molecular consequence: missense variant.
Genome position (GRCh38, 1-based): chr14:45,175,891, A>G. VCF-style: chr14-45175891-A-G. GRCh37 (hg19) VCF-style: chr14-45645094-A-G.
Other names: c.3137A>G (NM_020937.2); c.3059A>G, p.Gln1020Arg (NM_001308133.2); short protein forms Q1020R, Q1046R.
Identifiers: ClinVar variation 1441770 (VCV001441770.7), dbSNP rs910679351, ClinGen allele CA259628109.

ClinVar aggregate classification (germline): Uncertain significance. Review status: criteria provided, multiple submitters, no conflicts (2 of 4 stars). 2 submissions from 2 submitters: Uncertain significance (2). Last evaluated 2024-12-22.

Conditions:
Fanconi anemia (FA). Also called: Fanconi's anemia. Identifiers: Orphanet 84, MedGen C0015625, MeSH D005199, MONDO:0019391.
Inborn genetic diseases. Identifiers: MedGen C0950123, MeSH D030342.

Allele frequency attached by ClinVar (database versions not stated): gnomAD 0.00002; TOPMed 0.00002.
gnomAD v4.1: 3 of 1,613,538 alleles (0.00019%); highest among the groups gnomAD compares: African/African-American, 0.004%; no homozygotes.

Submissions (2):

Ambry Genetics
Classification: Uncertain significance for Inborn genetic diseases. Last evaluated: 2024-12-22. Review status: criteria provided, single submitter. Criteria: Ambry Variant Classification Scheme 2023. Collection method: clinical testing. Allele origin: germline.
Comment: The p.Q1046R variant (also known as c.3137A>G), located in coding exon 14 of the FANCM gene, results from an A to G substitution at nucleotide position 3137. The glutamine at codon 1046 is replaced by arginine, an amino acid with highly similar properties. This amino acid position is conserved. In addition, this alteration is predicted to be tolerated by in silico analysis. Based on the available evidence, the clinical significance of this variant remains unclear.

Labcorp Genetics (formerly Invitae), Labcorp
Classification: Uncertain significance for Fanconi anemia. Last evaluated: 2023-08-10. Review status: criteria provided, single submitter. Criteria: Invitae Variant Classification Sherloc (09022015). Collection method: clinical testing. Allele origin: germline.
Comment: This sequence change replaces glutamine, which is neutral and polar, with arginine, which is basic and polar, at codon 1046 of the FANCM protein (p.Gln1046Arg). This variant is present in population databases (no rsID available, gnomAD 0.02%). This variant has not been reported in the literature in individuals affected with FANCM-related conditions. ClinVar contains an entry for this variant (Variation ID: 1441770). An algorithm developed to predict the effect of missense changes on protein structure and function (PolyPhen-2) suggests that this variant is likely to be tolerated. In summary, the available evidence is currently insufficient to determine the role of this variant in disease. Therefore, it has been classified as a Variant of Uncertain Significance.